The following is an entry in ClinVar:

ClinVar aggregate classification (germline): Pathogenic/Likely pathogenic. Review status: criteria provided, multiple submitters, no conflicts (2 of 4 stars). 5 submissions from 5 submitters: Pathogenic (1); Likely pathogenic (3). 1 of the submissions does not count toward it. Last evaluated 2026-02-13.

Conditions:
Niemann-Pick disease, type A. Also called: Infantile Neurovisceral ASMD (Niemann-Pick Disease Type A; NPD-A); SPHINGOMYELIN LIPIDOSIS; SPHINGOMYELINASE DEFICIENCY. Identifiers: Orphanet 77292, MedGen C0268242, MONDO:0009756, OMIM 257200. Disease mechanism: loss of function.
Niemann-Pick disease, type B. Also called: Chronic Visceral ASMD (Niemann-Pick Disease Type B; NPD-B). Identifiers: Orphanet 77293, MedGen C0268243, MONDO:0011871, OMIM 607616. Disease mechanism: loss of function.
Acid sphingomyelinase deficiency. Identifiers: Orphanet 618899, MedGen C5243927, MONDO:0100464.

Allele frequency attached by ClinVar (database versions not stated): gnomAD exomes below 0.00001; ExAC 0.00001.
gnomAD v4.1: 2 of 1,613,902 alleles (0.00012%); highest among the groups gnomAD compares: Middle Eastern, 0.034%; no homozygotes.

Submissions (5):

Myriad Genetics, Inc.
Classification: Likely pathogenic for Acid sphingomyelinase deficiency. Last evaluated: 2026-02-13. Review status: criteria provided, single submitter. Criteria: Myriad Autosomal Dominant, Autosomal Recessive and X-Linked Classification Criteria (2023). Collection method: clinical testing. Allele origin: unknown.
Comment: NM_000543.4(SMPD1):c.488T>C(L163P) is a missense variant classified as likely pathogenic in the context of Niemann-Pick disease, SMPD1-related. L163P has been observed in cases with relevant disease (PMID: 22818240, 25085675, 39507854). Relevant functional assessments of this variant are not available in the literature. L163P has not been observed in referenced population frequency databases. In summary, NM_000543.4(SMPD1):c.488T>C(L163P) is a missense variant that has been observed more frequently in cases with the relevant disease than in healthy populations. Please note: this variant was assessed in the context of healthy population screening.

Natera, Inc.
Classification: Likely pathogenic for Niemann-Pick Disease, Types A/B. Last evaluated: 2024-12-01. Review status: criteria provided, single submitter. Criteria: Natera Variant Classification Schema (03/2026). Collection method: clinical testing. Allele origin: germline.
Comment: The c.488T>C variant in SMPD1 is a missense variant predicted to cause substitution of leucine to proline at amino acid 163. This variant is rare in the general population with a frequency below the threshold expected for the associated phenotype(s). This variant has been observed in one or more individuals affected with the associated recessive disease, as either homozygous or compound heterozygous with a second variant (PMID: 21621718, 22818240). This variant has been identified in one or more affected individuals with a phenotype highly consistent with the associated gene (PMID: 22818240). Computational prediction algorithms indicate this variant is likely to affect gene or protein function. Given the available evidence, this variant is classified as Likely Pathogenic.

Baylor Genetics
Classification: Likely pathogenic for Niemann-Pick disease, type A. Last evaluated: 2023-11-21. Review status: criteria provided, single submitter. Criteria: ACMG Guidelines, 2015. Collection method: clinical testing. Allele origin: unknown.

Labcorp Genetics (formerly Invitae), Labcorp
Classification: Pathogenic for Niemann-Pick disease, type B; Niemann-Pick disease, type A. Last evaluated: 2023-05-27. Review status: criteria provided, single submitter. Criteria: Invitae Variant Classification Sherloc (09022015). Collection method: clinical testing. Allele origin: germline.
Comment: This sequence change replaces leucine, which is neutral and non-polar, with proline, which is neutral and non-polar, at codon 163 of the SMPD1 protein (p.Leu163Pro). This variant is present in population databases (rs780134410, gnomAD 0.0009%). For these reasons, this variant has been classified as Pathogenic. Advanced modeling of protein sequence and biophysical properties (such as structural, functional, and spatial information, amino acid conservation, physicochemical variation, residue mobility, and thermodynamic stability) performed at Invitae indicates that this missense variant is expected to disrupt SMPD1 protein function. ClinVar contains an entry for this variant (Variation ID: 553935). This missense change has been observed in individual(s) with Niemann-Pick disease type B (PMID: 21621718, 22818240).

Counsyl
Classification: Uncertain significance for Niemann-Pick disease, type A. Last evaluated: 2017-09-20. Review status: no assertion criteria provided. Collection method: clinical testing. Allele origin: unknown. Not counted in ClinVar's aggregate classification.

Literature cited by the submitters: PubMed 22818240 (cited by 4 submitters); PubMed 25085675 (cited by Myriad Genetics, Inc.); PubMed 39507854 (cited by Myriad Genetics, Inc.); PubMed 21621718 (cited by Natera, Inc. and Labcorp Genetics (formerly Invitae), Labcorp).

NM_000543.5(SMPD1):c.488T>C (p.Leu163Pro)

Gene: SMPD1 (sphingomyelin phosphodiesterase 1; plus strand). Cytogenetic location: 11p15.4.
Variant type: single nucleotide variant.
Coding change: c.488T>C on transcript NM_000543.5 (MANE Select); coding-DNA position 488, T replaced by C.
Protein change: p.Leu163Pro; replaces leucine 163 with proline.
Molecular consequence: missense variant. On other transcripts: 5 prime UTR variant (1), non-coding transcript variant (1).
Genome position (GRCh38, 1-based): chr11:6,391,553, T>C. VCF-style: chr11-6391553-T-C. GRCh37 (hg19) VCF-style: chr11-6412783-T-C.
Other names: c.485T>C, p.Leu162Pro (NM_001007593.3); c.488T>C, p.Leu163Pro (NM_001318087.2, NM_001365135.2); c.-474T>C (NM_001318088.2); short protein forms L163P, L162P.
Identifiers: ClinVar variation 553935 (VCV000553935.12), dbSNP rs780134410, ClinGen allele CA5852612.
Genomic context (GRCh38, chr11:6,391,553, plus strand): 5'-ACATGGTGGAGGTGTGGAGACGCTCAGTGCTGAGCCCATCTGAGGCCTGTGGCCTGCTCC[T>C]GGGCTCCACCTGTGGGCACTGGGACATTTTCTCATCTTGGAACATCTCTTTGCCTACTGT-3'
Protein context (NP_000534.3, residues 153-173): LSPSEACGLL[Leu163Pro]GSTCGHWDIF